The following is an entry in ClinVar:

ClinVar aggregate classification (germline): Uncertain significance. Review status: criteria provided, single submitter (1 of 4 stars). 2 submissions from 2 submitters: Uncertain significance (1). 1 of the submissions does not count toward it. Last evaluated 2024-06-13.

Conditions:
LMX1A-related disorder. Also called: LMX1A-related condition.

Allele frequency attached by ClinVar (database versions not stated): gnomAD 0.00053; ESP Exome Variant Server 0.00077; TOPMed 0.00077; 1000 Genomes Project 0.00100; 1000 Genomes Project 30x 0.00109.
gnomAD v4.1: 167 of 1,613,080 alleles (0.01%); highest among the groups gnomAD compares: African/African-American, 0.21%; no homozygotes.

Submissions (2):

Blueprint Genetics
Classification: Uncertain significance. Last evaluated: 2024-06-13. Review status: criteria provided, single submitter. Criteria: ACMG Guidelines, 2015. Collection method: clinical testing. Allele origin: germline.

PreventionGenetics, part of Exact Sciences
Classification: Likely benign for LMX1A-related condition. Last evaluated: 2022-07-21. Review status: no assertion criteria provided. Collection method: clinical testing. Allele origin: germline. Not counted in ClinVar's aggregate classification.
Comment: This variant is classified as likely benign based on ACMG/AMP sequence variant interpretation guidelines (Richards et al. 2015 PMID: 25741868, with internal and published modifications).

NM_177398.4(LMX1A):c.883A>C (p.Thr295Pro)

Genes: LMX1A (LIM homeobox transcription factor 1 alpha; minus strand), LMX1A-AS2 (LMX1A antisense RNA 2; plus strand). Cytogenetic location: 1q23.3.
Variant type: single nucleotide variant.
Coding change: c.883A>C on transcript NM_177398.4 (MANE Select); coding-DNA position 883, A replaced by C.
Protein change: p.Thr295Pro; replaces threonine 295 with proline.
Molecular consequence: missense variant.
Genome position (GRCh38, 1-based): chr1:165,205,969, T>G on the plus strand (A>C on the coding strand, the complement: LMX1A is on the minus strand). VCF-style: chr1-165205969-T-G. GRCh37 (hg19) VCF-style: chr1-165175206-T-G.
Other names: c.883A>C, p.Thr295Pro (NM_001174069.2); short protein forms T295P.
Identifiers: ClinVar variation 3048621 (VCV003048621.3), dbSNP rs148227502, ClinGen allele CA1219671.